The following is an entry in ClinVar:

NM_138927.4(SON):c.5361dup (p.Asp1788fs)

Gene: SON (SON DNA and RNA binding protein; plus strand). Cytogenetic location: 21q22.11.
Variant type: Duplication.
Coding change: c.5361dup on transcript NM_138927.4 (MANE Select); coding-DNA position 5361, one base duplicated (A; older notation c.5361dupA).
Protein change: p.Asp1788fs; shifts the reading frame from aspartic acid 1788.
Molecular consequence: frameshift variant. On other transcripts: non-coding transcript variant (1), intron variant (1).
Genome position (GRCh38, 1-based): chr21:33,554,592, A duplicated; the last of 5 consecutive A bases (chr21:33,554,588-33,554,592); duplicating any one gives the same sequence. VCF-style (leftmost placement, unchanged base first): chr21-33554587-G-GA. GRCh37 (hg19) VCF-style: chr21-34926893-G-GA.
Other names: c.5361dup, p.Asp1788fs (NM_001291411.2, NM_032195.3); c.245-2564dup (NM_001291412.3); short protein forms D1788fs.
Identifiers: ClinVar variation 4685481 (VCV004685481.1).

ClinVar aggregate classification (germline): Pathogenic (1 of 4 stars; one submission).

Conditions:
ZTTK syndrome (ZTTKS). Also called: ZTTK MULTIPLE CONGENITAL ANOMALIES-MENTAL RETARDATION SYNDROME; Zhu-Tokita-Takenouchi-Kim Syndrome. Identifiers: Orphanet 500150, MedGen C4310696, MONDO:0014936, OMIM 617140.

Submission:

Imagene.me medical diagnostic laboratory, IMAGENE.ME SA
Classification: Pathogenic for ZTTK syndrome. Review status: criteria provided, single submitter. Criteria: IMAGENE.ME Variant Classification SOP 2022. Collection method: clinical testing. Allele origin: germline. Affected: yes.
Comment: Classified according to the IMAGENE.ME variant classification SOP based on the ACMG guidelines as Pathogenic (P): PVS1 + PM2_Supporting + PP4